The following is an entry in ClinVar:

ClinVar aggregate classification (germline): Uncertain significance (1 of 4 stars; one submission).

Submission:

CeGaT Center for Human Genetics Tuebingen
Classification: Uncertain significance. Last evaluated: 2026-08-01. Review status: criteria provided, single submitter. Criteria: CeGaT Center For Human Genetics Tuebingen Variant Classification Criteria Version 2. Collection method: clinical testing. Allele origin: germline. Affected: yes. Observed: 1 variant allele.
Comment: EYA4: PM2, PP3

NM_004100.5(EYA4):c.1693G>A (p.Gly565Arg)

Genes: EYA4 (EYA transcriptional coactivator and phosphatase 4; plus strand), TARID (TCF21 antisense RNA inducing promoter demethylation; minus strand). Cytogenetic location: 6q23.2.
Variant type: single nucleotide variant.
Coding change: c.1693G>A on transcript NM_004100.5 (MANE Select); coding-DNA position 1693, G replaced by A.
Protein change: p.Gly565Arg; replaces glycine 565 with arginine.
Molecular consequence: missense variant.
Genome position (GRCh38, 1-based): chr6:133,523,132, G>A. VCF-style: chr6-133523132-G-A. GRCh37 (hg19) VCF-style: chr6-133844270-G-A.
Other names: c.1531G>A, p.Gly511Arg (NM_001301012.2); c.1711G>A, p.Gly571Arg (NM_001301013.2); c.1624G>A, p.Gly542Arg (NM_001370458.1, NM_172103.4); c.1549G>A, p.Gly517Arg (NM_001370459.1); c.1693G>A, p.Gly565Arg (NM_172105.4); short protein forms G511R, G517R, G542R, G565R, G571R.
Identifiers: ClinVar variation 5040641 (VCV005040641.1).